The following is an entry in ClinVar:

NM_001009999.3(KDM1A):c.1401A>T (p.Glu467Asp)

Gene: KDM1A (lysine demethylase 1A; plus strand). Cytogenetic location: 1p36.12.
Variant type: single nucleotide variant.
Coding change: c.1401A>T on transcript NM_001009999.3 (MANE Select); coding-DNA position 1401, A replaced by T.
Protein change: p.Glu467Asp; replaces glutamic acid 467 with aspartic acid.
Molecular consequence: missense variant.
Genome position (GRCh38, 1-based): chr1:23,069,139, A>T. VCF-style: chr1-23069139-A-T. GRCh37 (hg19) VCF-style: chr1-23395632-A-T.
Other names: c.1401A>T (NM_001009999.2); c.1329A>T, p.Glu443Asp (NM_001363654.2, NM_001410763.1, NM_015013.4); c.1389A>T, p.Glu463Asp (NM_001410762.1); short protein forms E443D, E463D, E467D.
Identifiers: ClinVar variation 2089079 (VCV002089079.5), dbSNP rs370506423, ClinGen allele CA679719.

ClinVar aggregate classification (germline): Conflicting classifications of pathogenicity. Review status: criteria provided, conflicting classifications (1 of 4 stars). 2 submissions from 2 submitters: Uncertain significance (1); Likely benign (1). Last evaluated 2024-11-26.

Conditions:
Inborn genetic diseases. Identifiers: MedGen C0950123, MeSH D030342.

Allele frequency attached by ClinVar (database versions not stated): gnomAD 0.00001; gnomAD exomes 0.00002; TOPMed 0.00002; ExAC 0.00003; ESP Exome Variant Server 0.00008.
gnomAD v4.1: 24 of 1,592,108 alleles (0.0015%); highest among the groups gnomAD compares: Admixed American, 0.0067%; no homozygotes.

Submissions (2):

Ambry Genetics
Classification: Likely benign for Inborn genetic diseases. Last evaluated: 2024-11-26. Review status: criteria provided, single submitter. Criteria: Ambry Variant Classification Scheme 2023. Collection method: clinical testing. Allele origin: germline.

Labcorp Genetics (formerly Invitae), Labcorp
Classification: Uncertain significance. Last evaluated: 2022-10-03. Review status: criteria provided, single submitter. Criteria: Invitae Variant Classification Sherloc (09022015). Collection method: clinical testing. Allele origin: germline.
Comment: In summary, the available evidence is currently insufficient to determine the role of this variant in disease. Therefore, it has been classified as a Variant of Uncertain Significance. Advanced modeling of protein sequence and biophysical properties (such as structural, functional, and spatial information, amino acid conservation, physicochemical variation, residue mobility, and thermodynamic stability) performed at Invitae indicates that this missense variant is not expected to disrupt KDM1A protein function. This variant has not been reported in the literature in individuals affected with KDM1A-related conditions. This variant is present in population databases (rs370506423, gnomAD 0.01%). This sequence change replaces glutamic acid, which is acidic and polar, with aspartic acid, which is acidic and polar, at codon 467 of the KDM1A protein (p.Glu467Asp).